The following is an entry in ClinVar:

NM_000891.3(KCNJ2):c.901A>C (p.Met301Leu)

Gene: KCNJ2 (potassium inwardly rectifying channel subfamily J member 2; plus strand). Cytogenetic location: 17q24.3.
Variant type: single nucleotide variant.
Coding change: c.901A>C on transcript NM_000891.3 (MANE Select); coding-DNA position 901, A replaced by C.
Protein change: p.Met301Leu; replaces methionine 301 with leucine.
Molecular consequence: missense variant.
Genome position (GRCh38, 1-based): chr17:70,175,940, A>C. VCF-style: chr17-70175940-A-C. GRCh37 (hg19) VCF-style: chr17-68172081-A-C.
Other names: short protein forms M301L.
Identifiers: ClinVar variation 378921 (VCV000378921.9), dbSNP rs786205818, ClinGen allele CA16608631.
Genomic context (GRCh38, chr17:70,175,940, plus strand): 5'-GATTTGAGTAAACAGGACATTGACAACGCAGACTTTGAAATCGTGGTCATACTGGAAGGC[A>C]TGGTGGAAGCCACTGCCATGACGACACAGTGCCGTAGCTCTTATCTAGCAAATGAAATCC-3'
Protein context (NP_000882.1, residues 291-311): DFEIVVILEG[Met301Leu]VEATAMTTQC

ClinVar aggregate classification (germline): Conflicting classifications of pathogenicity. Review status: criteria provided, conflicting classifications (1 of 4 stars). 2 submissions from 2 submitters: Pathogenic (1); Uncertain significance (1). Last evaluated 2017-03-13.

Conditions:
Andersen Tawil syndrome (LQT7). Also called: LONG QT SYNDROME 7; PERIODIC PARALYSIS, POTASSIUM-SENSITIVE CARDIODYSRHYTHMIC TYPE; Potassium-sensitive periodic paralysis, ventricular ectopy, and dysmorphic features; Andersen Syndrome; ANDERSEN CARDIODYSRHYTHMIC PERIODIC PARALYSIS. Identifiers: Orphanet 37553, MedGen C1563715, MONDO:0008222, OMIM 170390.
Short QT syndrome type 3. Identifiers: Orphanet 51083, MedGen C1865018, MONDO:0012314, OMIM 609622.

Submissions (2):

Labcorp Genetics (formerly Invitae), Labcorp
Classification: Uncertain significance for Short QT syndrome type 3; Andersen Tawil syndrome. Last evaluated: 2017-03-13. Review status: criteria provided, single submitter. Criteria: Invitae Variant Classification Sherloc (09022015). Collection method: clinical testing. Allele origin: germline.
Comment: In summary, this variant is a novel missense change with uncertain impact on protein function. It has been classified as a Variant of Uncertain Significance. Algorithms developed to predict the effect of missense changes on protein structure and function do not agree on the potential impact of this missense change (SIFT: "Tolerated"; PolyPhen-2: "Probably Damaging"; Align-GVGD: "Class C0"). This variant is not present in population databases (ExAC no frequency) and has not been reported in the literature in individuals with a KCNJ2-related disease. This sequence change replaces methionine with leucine at codon 301 of the KCNJ2 protein (p.Met301Leu). The methionine residue is highly conserved and there is a small physicochemical difference between methionine and leucine.

GeneDx
Classification: Pathogenic. Last evaluated: 2016-12-20. Review status: criteria provided, single submitter. Criteria: GeneDx Variant Classification (06012015). Collection method: clinical testing. Allele origin: germline. Affected: yes.
Comment: A pathogenic variant has been identified in the KCNJ2 gene. The M301L variant has not been published as a pathogenic variant, nor has it been reported as a benign variant to our knowledge. This variant was not observed in approximately 6,500 individuals of European and African American ancestry in the NHLBI Exome Sequencing Project, and was not observed in the Exome Aggregation Consortium, indicating it is not a common benign variant in these populations. Although M301L is a conservative amino acid substitution, which is not likely to impact secondary protein structure as these residues share similar properties, this substitution occurs at a position that is conserved across species. Furthermore, in silico analysis predicts this variant is probably damaging to the protein structure/function. Moreover, pathogenic missense variants at the same residue (M301K, M301R), and pathogenic/likely pathogenic missense variants in nearby residues (E299V, G300V, G300D) have been reported in the Human Gene Mutation Database in association with KNCJ2-related disorders (Stenson et al., 2014), supporting the functional importance of this residue and region of the protein.In summary, M301L in the KCNJ2 gene is interpreted as a pathogenic variant.